The following is an entry in ClinVar:

ClinVar aggregate classification (germline): Uncertain significance (1 of 4 stars; one submission).

Conditions:
Familial thoracic aortic aneurysm and aortic dissection (TAAD). Also called: Thoracic aortic aneurysms and dissections. Identifiers: Orphanet 91387, MedGen C4707243, MONDO:0019625.

Submission:

Ambry Genetics
Classification: Uncertain significance for Familial thoracic aortic aneurysm and aortic dissection. Last evaluated: 2024-01-05. Review status: criteria provided, single submitter. Criteria: Ambry Variant Classification Scheme 2023. Collection method: clinical testing. Allele origin: germline.
Comment: The p.S653C variant (also known as c.1957A>T), located in coding exon 13 of the MED12 gene, results from an A to T substitution at nucleotide position 1957. The serine at codon 653 is replaced by cysteine, an amino acid with dissimilar properties. This amino acid position is conserved. In addition, this alteration is predicted to be tolerated by in silico analysis. Since supporting evidence is limited at this time, the clinical significance of this alteration remains unclear.

NM_005120.3(MED12):c.1957A>T (p.Ser653Cys)

Gene: MED12 (mediator complex subunit 12; plus strand). Cytogenetic location: Xq13.1.
Variant type: single nucleotide variant.
Coding change: c.1957A>T on transcript NM_005120.3 (MANE Select); coding-DNA position 1957, A replaced by T.
Protein change: p.Ser653Cys; replaces serine 653 with cysteine.
Molecular consequence: missense variant.
Genome position (GRCh38, 1-based): chrX:71,124,371, A>T. VCF-style: chrX-71124371-A-T. GRCh37 (hg19) VCF-style: chrX-70344221-A-T.
Other names: short protein forms S653C.
Identifiers: ClinVar variation 3224572 (VCV003224572.1), dbSNP rs2519675725, ClinGen allele CA413510153.